The following is an entry in ClinVar:

NM_152383.5(DIS3L2):c.1023C>T (p.Gly341=)

Gene: DIS3L2 (DIS3 like 3'-5' exoribonuclease 2; plus strand). Cytogenetic location: 2q37.1.
Variant type: single nucleotide variant.
Coding change: c.1023C>T on transcript NM_152383.5 (MANE Select); coding-DNA position 1023, C replaced by T.
Protein change: p.Gly341=; no amino-acid change (glycine 341 retained).
Molecular consequence: synonymous variant. On other transcripts: non-coding transcript variant (2).
Genome position (GRCh38, 1-based): chr2:232,163,531, C>T. VCF-style: chr2-232163531-C-T. GRCh37 (hg19) VCF-style: chr2-233028241-C-T.
Other names: c.1023C>T, p.Gly341= (NM_001257281.2).
Identifiers: ClinVar variation 416354 (VCV000416354.35), dbSNP rs201122747, ClinGen allele CA2163994.

ClinVar aggregate classification (germline): Likely benign. Review status: criteria provided, multiple submitters, no conflicts (2 of 4 stars). 3 submissions from 3 submitters: Likely benign (3). Last evaluated 2025-11-01.

Conditions:
Perlman syndrome (PRLMNS). Identifiers: Orphanet 2849, MedGen C0796113, MONDO:0009965, OMIM 267000.

Allele frequency attached by ClinVar (database versions not stated): TOPMed 0.00005; gnomAD 0.00007 and 0.00008; ExAC 0.00009; gnomAD exomes 0.00011; ESP Exome Variant Server 0.00017.
gnomAD v4.1: 230 of 1,614,002 alleles (0.014%); highest among the groups gnomAD compares: East Asian, 0.02%; 1 homozygote.

Submissions (3):

CeGaT Center for Human Genetics Tuebingen
Classification: Likely benign. Last evaluated: 2025-11-01. Review status: criteria provided, single submitter. Criteria: CeGaT Center For Human Genetics Tuebingen Variant Classification Criteria Version 2. Collection method: clinical testing. Allele origin: germline. Affected: yes. Observed: 2 variant alleles.
Comment: DIS3L2: BP4, BP7

Labcorp Genetics (formerly Invitae), Labcorp
Classification: Likely benign for Perlman syndrome. Last evaluated: 2025-09-03. Review status: criteria provided, single submitter. Criteria: Invitae Variant Classification Sherloc (09022015). Collection method: clinical testing. Allele origin: germline.

Blueprint Genetics
Classification: Likely benign. Last evaluated: 2024-10-09. Review status: criteria provided, single submitter. Criteria: ACMG Guidelines, 2015. Collection method: clinical testing. Allele origin: germline.